The following is an entry in ClinVar:

NM_005121.3(MED13):c.1370A>G (p.Lys457Arg)

Gene: MED13 (mediator complex subunit 13; minus strand). Cytogenetic location: 17q23.2.
Variant type: single nucleotide variant.
Coding change: c.1370A>G on transcript NM_005121.3 (MANE Select); coding-DNA position 1370, A replaced by G.
Protein change: p.Lys457Arg; replaces lysine 457 with arginine.
Molecular consequence: missense variant.
Genome position (GRCh38, 1-based): chr17:62,011,147, T>C on the plus strand (A>G on the coding strand, the complement: MED13 is on the minus strand). VCF-style: chr17-62011147-T-C. GRCh37 (hg19) VCF-style: chr17-60088508-T-C.
Other names: short protein forms K457R.
Identifiers: ClinVar variation 3381727 (VCV003381727.2).
Genomic context (GRCh38, chr17:62,011,147, plus strand): 5'-TGAAAAGGAGTCAAGGGGCGTTTCTGTGGCTTTTCACTCTTTTCTTGCTTCTCATTGGTC[T>C]TGTGCTTAGGAAGTATTTGTTGTTGCTGACCTAAAGATGGTGCCTGTCCTTGTTGTCCAG-3'
Protein context (NP_005112.2, residues 447-467): GQQQQILPKH[Lys457Arg]TNEKQEKSEK

ClinVar aggregate classification (germline): Likely benign (1 of 4 stars; one submission).

Submission:

GeneDx
Classification: Likely benign. Last evaluated: 2024-12-17. Review status: criteria provided, single submitter. Criteria: GeneDx Variant Classification Process June 2021. Collection method: clinical testing. Allele origin: germline.
Comment: See Variant Classification Assertion Criteria.